The following is an entry in ClinVar:

NC_000023.10:g.(?_129197929)_(129215514_129244299)del

Gene: ELF4 (E74 like ETS transcription factor 4; minus strand). Cytogenetic location: Xq26.1.
Variant type: Deletion.
Identifiers: ClinVar variation 4848750 (VCV004848750.1).

ClinVar aggregate classification (germline): Pathogenic (1 of 4 stars; one submission).

Conditions:
Autoinflammatory syndrome, familial, X-linked, Behcet-like 2. Also called: DEFICIENCY IN ELF4, X-LINKED. Identifiers: Orphanet 676125, MedGen C5575495, MONDO:0024770, OMIM 301074.

Submission:

Women's Health and Genetics/Laboratory Corporation of America, LabCorp
Classification: Pathogenic for Autoinflammatory syndrome, familial, X-linked, Behcet-like 2. Last evaluated: 2026-04-28. Review status: criteria provided, single submitter. Criteria: LabCorp Variant Classification Summary - May 2015. Collection method: clinical testing. Allele origin: germline.
Comment: Variant summary: The variant involves the deletion of exons 2-9 in the ELF4 gene. A presumed nomenclature of c.(-210+1_-209-1)_(*2767_?)del has been designated for the purposes of this classification. This deletion includes the entire coding sequence of the gene. As the exact proximal and distal breakpoints are unknown, it may extend beyond the annotated region of the gene to include other flanking genes. Loss-of-function variants in this gene are known to be pathogenic. The variant was absent in 16111 control chromosomes. To our knowledge, no occurrence of similar copy number variants in individuals affected with ELF4-related conditions and no experimental evidence demonstrating impact on protein function have been reported. No submitters have cited clinical-significance assessments for similar copy number variants to ClinVar. Based on the evidence outlined above, the variant was classified as pathogenic.